The following is an entry in ClinVar:

NM_014053.4(FLVCR1):c.820A>G (p.Ile274Val)

Gene: FLVCR1 (FLVCR choline and heme transporter 1; plus strand). Cytogenetic location: 1q32.3.
Variant type: single nucleotide variant.
Coding change: c.820A>G on transcript NM_014053.4 (MANE Select); coding-DNA position 820, A replaced by G.
Protein change: p.Ile274Val; replaces isoleucine 274 with valine.
Molecular consequence: missense variant.
Genome position (GRCh38, 1-based): chr1:212,863,806, A>G. VCF-style: chr1-212863806-A-G. GRCh37 (hg19) VCF-style: chr1-213037148-A-G.
Other names: short protein forms I274V.
Identifiers: ClinVar variation 1016445 (VCV001016445.9), dbSNP rs1664322770, ClinGen allele CA344790057.
Genomic context (GRCh38, chr1:212,863,806, plus strand): 5'-TTGCTACCACCAGTTTTAGTACCCAACACACAGAATGACACAAATCTCCTGGCTTGTAAT[A>G]TCAGCACCATGTTTTATGGAACATCAGCTGTTGCCACACTTTTATTTATTTTAACAGCAA-3'
Protein context (NP_054772.1, residues 264-284): QNDTNLLACN[Ile274Val]STMFYGTSAV

ClinVar aggregate classification (germline): Uncertain significance. Review status: criteria provided, multiple submitters, no conflicts (2 of 4 stars). 2 submissions from 2 submitters: Uncertain significance (2). Last evaluated 2020-02-02.

Allele frequency attached by ClinVar (database versions not stated): gnomAD exomes below 0.00001.
gnomAD v4.1: 1 of 1,613,906 alleles (0.000062%); highest among the groups gnomAD compares: Non-Finnish European, 0.000085%; no homozygotes.

Submissions (2):

Labcorp Genetics (formerly Invitae), Labcorp
Classification: Uncertain significance. Last evaluated: 2020-02-02. Review status: criteria provided, single submitter. Criteria: Invitae Variant Classification Sherloc (09022015). Collection method: clinical testing. Allele origin: germline.
Comment: In summary, the available evidence is currently insufficient to determine the role of this variant in disease. Therefore, it has been classified as a Variant of Uncertain Significance. Algorithms developed to predict the effect of missense changes on protein structure and function (SIFT, PolyPhen-2, Align-GVGD) all suggest that this variant is likely to be tolerated, but these predictions have not been confirmed by published functional studies and their clinical significance is uncertain. This variant has not been reported in the literature in individuals with FLVCR1-related conditions. This variant is not present in population databases (ExAC no frequency). This sequence change replaces isoleucine with valine at codon 274 of the FLVCR1 protein (p.Ile274Val). The isoleucine residue is highly conserved and there is a small physicochemical difference between isoleucine and valine.

Blueprint Genetics
Classification: Uncertain significance. Last evaluated: 2019-11-07. Review status: criteria provided, single submitter. Criteria: ACMG Guidelines, 2015. Collection method: clinical testing. Allele origin: germline.